The following is an entry in ClinVar:

ClinVar aggregate classification (germline): Likely benign. Review status: criteria provided, single submitter (1 of 4 stars). 2 submissions from 2 submitters: Likely benign (1). 1 of the submissions does not count toward it. Last evaluated 2022-02-03.

Conditions:
Senior-Loken syndrome 7 (SLSN7). Identifiers: Orphanet 3156, MedGen C3150877, MONDO:0013326, OMIM 613615.
Bardet-Biedl syndrome 16 (BBS16). Identifiers: Orphanet 110, MedGen C3889474, MONDO:0014444, OMIM 615993.
SDCCAG8-related disorder. Also called: SDCCAG8-Related Disorders; SDCCAG8-related condition.

Allele frequency attached by ClinVar (database versions not stated): gnomAD exomes 0.00001; ExAC 0.00002; gnomAD 0.00002 and 0.00003; TOPMed 0.00005.
gnomAD v4.1: 6 of 1,614,000 alleles (0.00037%); highest among the groups gnomAD compares: African/African-American, 0.008%; no homozygotes.

Submissions (2):

Labcorp Genetics (formerly Invitae), Labcorp
Classification: Likely benign for Bardet-Biedl syndrome 16; Senior-Loken syndrome 7. Last evaluated: 2022-02-03. Review status: criteria provided, single submitter. Criteria: Invitae Variant Classification Sherloc (09022015). Collection method: clinical testing. Allele origin: germline.

PreventionGenetics, part of Exact Sciences
Classification: Likely benign for SDCCAG8-related condition. Last evaluated: 2024-03-23. Review status: no assertion criteria provided. Collection method: clinical testing. Allele origin: germline. Not counted in ClinVar's aggregate classification.
Comment: This variant is classified as likely benign based on ACMG/AMP sequence variant interpretation guidelines (Richards et al. 2015 PMID: 25741868, with internal and published modifications).

NM_006642.5(SDCCAG8):c.63C>T (p.Leu21=)

Gene: SDCCAG8 (SHH signaling and ciliogenesis regulator SDCCAG8; plus strand). Cytogenetic location: 1q43.
Variant type: single nucleotide variant.
Coding change: c.63C>T on transcript NM_006642.5 (MANE Select); coding-DNA position 63, C replaced by T.
Protein change: p.Leu21=; no amino-acid change (leucine 21 retained).
Molecular consequence: synonymous variant. On other transcripts: 5 prime UTR variant (4).
Genome position (GRCh38, 1-based): chr1:243,256,236, C>T. VCF-style: chr1-243256236-C-T. GRCh37 (hg19) VCF-style: chr1-243419538-C-T.
Other names: c.-1050C>T (NM_001350246.2); c.-938C>T (NM_001350247.2); c.63C>T, p.Leu21= (NM_001350248.2); c.-245C>T (NM_001350249.2); c.-1311C>T (NM_001350251.2); c.63C>T (NM_006642.3).
Identifiers: ClinVar variation 1148798 (VCV001148798.10), dbSNP rs763991953, ClinGen allele CA1483172.
Genomic context (GRCh38, chr1:243,256,236, plus strand): 5'-GGCGAAGTCCCCGGAGAACTCTACCCTGGAGGAGATTCTGGGGCAGTATCAACGGAGTCT[C>T]CGGGGTGAGTTGCTCCAAACCTCTGTCCCTAGCCCCGAGGTGCCCAGGGCCTAGTGGGCG-3'
Protein context (NP_006633.1, residues 11-31): EEILGQYQRS[Leu21=]REHASRSIHQ